The following is an entry in ClinVar:

ClinVar aggregate classification (germline): Pathogenic (1 of 4 stars; one submission).

Conditions:
Autosomal recessive nonsyndromic hearing loss 53. Identifiers: Orphanet 90636, MedGen C1864746, MONDO:0012333, OMIM 609706.

Submission:

Institute of Rare Diseases, West China Hospital, Sichuan University
Classification: Pathogenic for Autosomal recessive nonsyndromic hearing loss 53. Last evaluated: 2025-01-09. Review status: criteria provided, single submitter. Criteria: ClinGen HL ACMG Specifications v1. Collection method: research. Allele origin: germline. Affected: yes.
Comment: PVS1;PM3;PM2_Supporting

NM_080680.3(COL11A2):c.4483-1G>C

Gene: COL11A2 (collagen type XI alpha 2 chain; minus strand). Cytogenetic location: 6p21.32.
Variant type: single nucleotide variant.
Coding change: c.4483-1G>C on transcript NM_080680.3 (MANE Select); the canonical splice acceptor site of the intron before coding-DNA position 4483, G replaced by C.
Molecular consequence: splice acceptor variant.
Genome position (GRCh38, 1-based): chr6:33,165,817, C>G on the plus strand (G>C on the coding strand, the complement: COL11A2 is on the minus strand). VCF-style: chr6-33165817-C-G. GRCh37 (hg19) VCF-style: chr6-33133594-C-G.
Other names: c.3457-1G>C (NM_001424111.1, NM_001424110.1); c.4162-1G>C (NM_080679.3); c.4225-1G>C (NM_080681.3); c.4303-1G>C (NM_001424108.1); c.3637-1G>C (NM_001424109.1); c.2437-1G>C (NM_001424112.1).
Identifiers: ClinVar variation 3601060 (VCV003601060.1).
Genomic context (GRCh38, chr6:33,165,817, plus strand): 5'-GCGCCGAGTCTTCTTGGGCATCTGAATGGGCAGTGGCTGGATCACCTCGCCTGGGGGACC[C>G]TGGGTGCAGGGACAGATGGAGAGGGCAAGAGACAAGGTTGGTGTGAGGGTGAAGTGTGGC-3'